The following is an entry in ClinVar:

ClinVar aggregate classification (germline): Conflicting classifications of pathogenicity. Review status: criteria provided, conflicting classifications (1 of 4 stars). 2 submissions from 2 submitters: Uncertain significance (1); Likely benign (1). Last evaluated 2025-07-22.

Conditions:
Inborn genetic diseases. Identifiers: MedGen C0950123, MeSH D030342.

Allele frequency attached by ClinVar (database versions not stated): gnomAD exomes 0.00001 and 0.00002; TOPMed 0.00001; ExAC 0.00002; gnomAD 0.00001.
gnomAD v4.1: 17 of 1,614,098 alleles (0.0011%); highest among the groups gnomAD compares: Admixed American, 0.0033%; no homozygotes.

Submissions (2):

Ambry Genetics
Classification: Likely benign for Inborn genetic diseases. Last evaluated: 2025-07-22. Review status: criteria provided, single submitter. Criteria: Ambry Variant Classification Scheme 2023. Collection method: clinical testing. Allele origin: germline.

Labcorp Genetics (formerly Invitae), Labcorp
Classification: Uncertain significance. Last evaluated: 2022-05-14. Review status: criteria provided, single submitter. Criteria: Invitae Variant Classification Sherloc (09022015). Collection method: clinical testing. Allele origin: germline.
Comment: This sequence change replaces glutamine, which is neutral and polar, with glutamic acid, which is acidic and polar, at codon 1947 of the SZT2 protein (p.Gln1947Glu). This variant is present in population databases (rs762731709, gnomAD 0.003%). This variant has not been reported in the literature in individuals affected with SZT2-related conditions. ClinVar contains an entry for this variant (Variation ID: 1034523). Algorithms developed to predict the effect of missense changes on protein structure and function (SIFT, PolyPhen-2, Align-GVGD) all suggest that this variant is likely to be tolerated. In summary, the available evidence is currently insufficient to determine the role of this variant in disease. Therefore, it has been classified as a Variant of Uncertain Significance.

NM_001365999.1(SZT2):c.6010C>G (p.Gln2004Glu)

Gene: SZT2 (SZT2 subunit of KICSTOR complex; plus strand). Cytogenetic location: 1p34.2.
Variant type: single nucleotide variant.
Coding change: c.6010C>G on transcript NM_001365999.1 (MANE Select); coding-DNA position 6010, C replaced by G.
Protein change: p.Gln2004Glu; replaces glutamine 2004 with glutamic acid.
Molecular consequence: missense variant.
Genome position (GRCh38, 1-based): chr1:43,435,305, C>G. VCF-style: chr1-43435305-C-G. GRCh37 (hg19) VCF-style: chr1-43900976-C-G.
Other names: c.5839C>G, p.Gln1947Glu (NM_015284.4); c.5839C>G (NM_015284.3); short protein forms Q2004E, Q1947E.
Identifiers: ClinVar variation 1034523 (VCV001034523.8), dbSNP rs762731709, ClinGen allele CA809763.